The following is an entry in ClinVar:

NM_000388.4(CASR):c.718A>G (p.Ser240Gly)

Gene: CASR (calcium sensing receptor; plus strand). Cytogenetic location: 3q21.1.
Variant type: single nucleotide variant.
Coding change: c.718A>G on transcript NM_000388.4 (MANE Select); coding-DNA position 718, A replaced by G.
Protein change: p.Ser240Gly; replaces serine 240 with glycine.
Molecular consequence: missense variant.
Genome position (GRCh38, 1-based): chr3:122,261,753, A>G. VCF-style: chr3-122261753-A-G. GRCh37 (hg19) VCF-style: chr3-121980600-A-G.
Other names: c.718A>G, p.Ser240Gly (NM_001178065.2); c.718A>G (NM_000388.3); short protein forms S240G.
Identifiers: ClinVar variation 1418206 (VCV001418206.7), dbSNP rs200878437, ClinGen allele CA82738383.
Genomic context (GRCh38, chr3:122,261,753, plus strand): 5'-CGGCCGGGGATTGAGAAATTCCGAGAGGAAGCTGAGGAAAGGGATATCTGCATCGACTTC[A>G]GTGAACTCATCTCCCAGTACTCTGATGAGGAAGAGATCCAGCATGTGGTAGAGGTGATTC-3'
Protein context (NP_000379.3, residues 230-250): AEERDICIDF[Ser240Gly]ELISQYSDEE

ClinVar aggregate classification (germline): Uncertain significance. Review status: criteria provided, multiple submitters, no conflicts (2 of 4 stars). 2 submissions from 2 submitters: Uncertain significance (2). Last evaluated 2023-02-09.

Conditions:
Autosomal dominant hypocalcemia 1 (HYPOC1). Also called: HYPOCALCEMIA, FAMILIAL. Identifiers: MedGen C3715128, MONDO:0011013, OMIM 601198.
Familial hypocalciuric hypercalcemia (FHH). Also called: Familial benign hypercalcemia. Identifiers: Orphanet 405, MedGen C1809471, MONDO:0018458.
Nephrolithiasis/nephrocalcinosis. Identifiers: MedGen CN580796.

Allele frequency attached by ClinVar (database versions not stated): gnomAD exomes 0.00001.
gnomAD v4.1: 3 of 1,614,252 alleles (0.00019%); highest among the groups gnomAD compares: Non-Finnish European, 0.00025%; no homozygotes.

Submissions (2):

Ambry Genetics
Classification: Uncertain significance for Nephrolithiasis/nephrocalcinosis. Last evaluated: 2023-02-09. Review status: criteria provided, single submitter. Criteria: Ambry Variant Classification Scheme 2023. Collection method: clinical testing. Allele origin: germline.
Comment: The p.S240G variant (also known as c.718A>G), located in coding exon 3 of the CASR gene, results from an A to G substitution at nucleotide position 718. The serine at codon 240 is replaced by glycine, an amino acid with similar properties. This amino acid position is conserved. In addition, the in silico prediction for this alteration is inconclusive. Since supporting evidence is limited at this time, the clinical significance of this alteration remains unclear.

Labcorp Genetics (formerly Invitae), Labcorp
Classification: Uncertain significance for Familial hypocalciuric hypercalcemia; Autosomal dominant hypocalcemia 1. Last evaluated: 2021-12-07. Review status: criteria provided, single submitter. Criteria: Invitae Variant Classification Sherloc (09022015). Collection method: clinical testing. Allele origin: germline.
Comment: In summary, the available evidence is currently insufficient to determine the role of this variant in disease. Therefore, it has been classified as a Variant of Uncertain Significance. Algorithms developed to predict the effect of missense changes on protein structure and function are either unavailable or do not agree on the potential impact of this missense change (SIFT: "Deleterious"; PolyPhen-2: "Benign"; Align-GVGD: "Class C0"). This variant has not been reported in the literature in individuals affected with CASR-related conditions. This variant is not present in population databases (gnomAD no frequency). This sequence change replaces serine, which is neutral and polar, with glycine, which is neutral and non-polar, at codon 240 of the CASR protein (p.Ser240Gly).